The following is an entry in ClinVar:

ClinVar aggregate classification (germline): Uncertain significance (1 of 4 stars; one submission).

Conditions:
Brugada syndrome. Also called: Sudden unexplained nocturnal death syndrome; Sudden unexpected nocturnal death syndrome; Sudden Unexplained Death Syndrome; Sudden Unexplained Nocturnal Death Syndrome (SUNDS). Identifiers: Orphanet 130, MedGen C1142166, MONDO:0015263.

Submission:

Labcorp Genetics (formerly Invitae), Labcorp
Classification: Uncertain significance for Brugada syndrome. Last evaluated: 2019-01-26. Review status: criteria provided, single submitter. Criteria: Invitae Variant Classification Sherloc (09022015). Collection method: clinical testing. Allele origin: germline.
Comment: In summary, the available evidence is currently insufficient to determine the role of this variant in disease. Therefore, it has been classified as a Variant of Uncertain Significance. Algorithms developed to predict the effect of missense changes on protein structure and function (SIFT, PolyPhen-2, Align-GVGD) all suggest that this variant is likely to be tolerated, but these predictions have not been confirmed by published functional studies and their clinical significance is uncertain. This variant has not been reported in the literature in individuals with SCN10A-related conditions. This variant is not present in population databases (ExAC no frequency). This sequence change replaces phenylalanine with leucine at codon 507 of the SCN10A protein (p.Phe507Leu). The phenylalanine residue is highly conserved and there is a small physicochemical difference between phenylalanine and leucine.

NM_006514.4(SCN10A):c.1519T>C (p.Phe507Leu)

Gene: SCN10A (sodium voltage-gated channel alpha subunit 10; minus strand). Cytogenetic location: 3p22.2.
Variant type: single nucleotide variant.
Coding change: c.1519T>C on transcript NM_006514.4 (MANE Select); coding-DNA position 1519, T replaced by C.
Protein change: p.Phe507Leu; replaces phenylalanine 507 with leucine.
Molecular consequence: missense variant. On other transcripts: intron variant (1).
Genome position (GRCh38, 1-based): chr3:38,752,455, A>G on the plus strand (T>C on the coding strand, the complement: SCN10A is on the minus strand). VCF-style: chr3-38752455-A-G. GRCh37 (hg19) VCF-style: chr3-38793946-A-G.
Other names: c.1519T>C, p.Phe507Leu (NM_001293306.2); c.1462-2271T>C (NM_001293307.2); short protein forms F507L.
Identifiers: ClinVar variation 848358 (VCV000848358.6), dbSNP rs2063759462, ClinGen allele CA352167637.